The following is an entry in ClinVar:

ClinVar aggregate classification (germline): Uncertain significance (1 of 4 stars; one submission).

Conditions:
Birt-Hogg-Dube syndrome. Also called: Birt Hogg Dubé syndrome. Identifiers: Orphanet 122, MedGen C0346010, MONDO:0800444.

gnomAD v4.1: 1 of 1,614,160 alleles (0.000062%); highest among the groups gnomAD compares: Non-Finnish European, 0.000085%; no homozygotes.

Submission:

Labcorp Genetics (formerly Invitae), Labcorp
Classification: Uncertain significance for Birt-Hogg-Dube syndrome. Last evaluated: 2025-12-22. Review status: criteria provided, single submitter. Criteria: Invitae Variant Classification Sherloc (09022015). Collection method: clinical testing. Allele origin: germline.
Comment: This sequence change replaces aspartic acid, which is acidic and polar, with histidine, which is basic and polar, at codon 300 of the FLCN protein (p.Asp300His). This variant is not present in population databases (gnomAD no frequency). This variant has not been reported in the literature in individuals affected with FLCN-related conditions. Invitae Evidence Modeling of protein sequence and biophysical properties (such as structural, functional, and spatial information, amino acid conservation, physicochemical variation, residue mobility, and thermodynamic stability) indicates that this missense variant is not expected to disrupt FLCN protein function with a negative predictive value of 80%. In summary, the available evidence is currently insufficient to determine the role of this variant in disease. Therefore, it has been classified as a Variant of Uncertain Significance.

NM_144997.7(FLCN):c.898G>C (p.Asp300His)

Gene: FLCN (folliculin; minus strand). Cytogenetic location: 17p11.2.
Variant type: single nucleotide variant.
Coding change: c.898G>C on transcript NM_144997.7 (MANE Select); coding-DNA position 898, G replaced by C.
Protein change: p.Asp300His; replaces aspartic acid 300 with histidine.
Molecular consequence: missense variant.
Genome position (GRCh38, 1-based): chr17:17,219,183, C>G on the plus strand (G>C on the coding strand, the complement: FLCN is on the minus strand). VCF-style: chr17-17219183-C-G. GRCh37 (hg19) VCF-style: chr17-17122497-C-G.
Other names: c.952G>C, p.Asp318His (NM_001353229.2); c.898G>C, p.Asp300His (NM_001353230.2, NM_001353231.2); short protein forms D300H, D318H.
Identifiers: ClinVar variation 4798374 (VCV004798374.1).